The following is an entry in ClinVar:

ClinVar aggregate classification (germline): Uncertain significance (1 of 4 stars; one submission).

Submission:

GeneDx
Classification: Uncertain significance. Last evaluated: 2024-11-25. Review status: criteria provided, single submitter. Criteria: GeneDx Variant Classification Process June 2021. Collection method: clinical testing. Allele origin: germline. Affected: yes.
Comment: Not observed at significant frequency in large population cohorts (gnomAD); In silico analysis supports that this missense variant has a deleterious effect on protein structure/function; Has not been previously published as pathogenic or benign to our knowledge

NM_012154.5(AGO2):c.2279G>A (p.Ser760Asn)

Gene: AGO2 (argonaute RISC catalytic component 2; minus strand). Cytogenetic location: 8q24.3.
Variant type: single nucleotide variant.
Coding change: c.2279G>A on transcript NM_012154.5 (MANE Select); coding-DNA position 2279, G replaced by A.
Protein change: p.Ser760Asn; replaces serine 760 with asparagine.
Molecular consequence: missense variant.
Genome position (GRCh38, 1-based): chr8:140,532,608, C>T on the plus strand (G>A on the coding strand, the complement: AGO2 is on the minus strand). VCF-style: chr8-140532608-C-T. GRCh37 (hg19) VCF-style: chr8-141542707-C-T.
Other names: c.2177G>A, p.Ser726Asn (NM_001164623.3); short protein forms S726N, S760N.
Identifiers: ClinVar variation 3900875 (VCV003900875.1).